The following is an entry in ClinVar:

NM_000051.4(ATM):c.1636C>G (p.Leu546Val)

Gene: ATM (ATM serine/threonine kinase; plus strand). Cytogenetic location: 11q22.3.
Variant type: single nucleotide variant.
Coding change: c.1636C>G on transcript NM_000051.4 (MANE Select); coding-DNA position 1636, C replaced by G.
Protein change: p.Leu546Val; replaces leucine 546 with valine.
Molecular consequence: missense variant.
Genome position (GRCh38, 1-based): chr11:108,251,865, C>G. VCF-style: chr11-108251865-C-G. GRCh37 (hg19) VCF-style: chr11-108122592-C-G.
Other names: p.L546V:CTG>GTG; NP_000042.3:p.Leu546Val; c.1636C>G, p.Leu546Val (NM_001351834.2); short protein forms L546V.
Identifiers: ClinVar variation 133604 (VCV000133604.76), dbSNP rs2227924, ClinGen allele CA157065.

ClinVar aggregate classification (germline): Benign/Likely benign. Review status: criteria provided, multiple submitters, no conflicts (2 of 4 stars). 30 submissions from 30 submitters: Benign (17); Likely benign (3). 10 of the submissions do not count toward it. Last evaluated 2026-08-01.

Conditions:
Breast and/or ovarian cancer. Identifiers: MedGen CN221562.
Ataxia-telangiectasia syndrome (AT). Also called: Ataxia-telangiectasia, complementation group D; AT, COMPLEMENTATION GROUP C; Ataxia telangiectasia (A-T); LOUIS-BAR SYNDROME; Cerebello-oculocutaneous telangiectasia; Immunodeficiency with ataxia telangiectasia. Identifiers: Orphanet 100, MedGen C0004135, MONDO:0008840, OMIM 208900.
Familial cancer of breast. Also called: Hereditary breast cancer; hereditary breast carcinoma; BREAST CANCER, FAMILIAL. Identifiers: Orphanet 227535, MedGen C0346153, MONDO:0016419, OMIM 114480. Disease mechanism: loss of function.
Hereditary cancer-predisposing syndrome. Also called: Neoplastic Syndromes, Hereditary; Tumor predisposition; Hereditary neoplastic syndrome; Hereditary Cancer Syndrome. Identifiers: Orphanet 140162, MedGen C0027672, MeSH D009386, MONDO:0015356.
Hereditary breast ovarian cancer syndrome. Also called: Breast and ovarian cancer; BRCA1- and BRCA2-Associated Hereditary Breast and Ovarian Cancer; Hereditary breast and/or ovarian cancer syndrome; Hereditary breast and ovarian cancer syndrome; Hereditary breast and ovarian cancer; Hereditary breast and ovarian cancer syndrome (HBOC). Identifiers: Orphanet 145, MedGen C0677776, MeSH D061325, MONDO:0003582. Disease mechanism: loss of function.

Allele frequency attached by ClinVar (database versions not stated): gnomAD exomes 0.00388; ExAC 0.00508; gnomAD 0.01436 and 0.01541; TOPMed 0.01680; ESP Exome Variant Server 0.01746; 1000 Genomes Project 0.01837; 1000 Genomes Project 30x 0.01921.
gnomAD v4.1: 4,365 of 1,613,820 alleles (0.27%); highest among the groups gnomAD compares: African/African-American, 4.9%; 107 homozygotes.

Submissions 1 to 25 of 30:

CeGaT Center for Human Genetics Tuebingen
Classification: Benign. Last evaluated: 2026-08-01. Review status: criteria provided, single submitter. Criteria: CeGaT Center For Human Genetics Tuebingen Variant Classification Criteria Version 2. Collection method: clinical testing. Allele origin: germline. Affected: yes. Observed: 25 variant alleles.
Comment: ATM: BP4, BS1, BS2

Labcorp Genetics (formerly Invitae), Labcorp
Classification: Benign for Ataxia-telangiectasia syndrome. Last evaluated: 2026-02-04. Review status: criteria provided, single submitter. Criteria: Invitae Variant Classification Sherloc (09022015). Collection method: clinical testing. Allele origin: germline.

ARUP Laboratories, Molecular Genetics and Genomics, ARUP Laboratories
Classification: Benign. Last evaluated: 2025-07-07. Review status: criteria provided, single submitter. Criteria: ARUP Molecular Germline Variant Investigation Process 2024. Collection method: clinical testing. Allele origin: germline.

Mayo Clinic Laboratories, Mayo Clinic
Classification: Benign. Last evaluated: 2025-04-23. Review status: criteria provided, single submitter. Criteria: ACMG Guidelines, 2015. Collection method: clinical testing. Allele origin: germline. Observed: 16 variant alleles.
Comment: BA1, BS2, BS3

Center for Genomic Medicine, Rigshospitalet, Copenhagen University Hospital
Classification: Benign. Last evaluated: 2025-03-04. Review status: criteria provided, single submitter. Criteria: ACMG Guidelines, 2015. Collection method: clinical testing. Allele origin: germline.

Myriad Genetics, Inc.
Classification: Benign for Familial cancer of breast. Last evaluated: 2024-04-30. Review status: criteria provided, single submitter. Criteria: Myriad Autosomal Dominant, Autosomal Recessive and X-Linked Classification Criteria (2023). Collection method: clinical testing. Allele origin: unknown.
Comment: This variant is considered benign. This variant is strongly associated with less severe personal and family histories of cancer, typical for individuals without pathogenic variants in this gene [PMID: 25085752]. This variant has been observed at a population frequency that is significantly greater than expected given the associated disease prevalence and penetrance.

KCCC/NGS Laboratory, Kuwait Cancer Control Center
Classification: Benign for Familial cancer of breast. Last evaluated: 2023-07-07. Review status: criteria provided, single submitter. Criteria: ACMG Guidelines, 2015. Collection method: clinical testing. Allele origin: germline. Affected: yes.

National Health Laboratory Service, Universitas Academic Hospital and University of the Free State
Classification: Benign for Hereditary breast ovarian cancer syndrome. Last evaluated: 2022-04-19. Review status: criteria provided, single submitter. Criteria: ACMG Guidelines, 2015. Collection method: clinical testing. Allele origin: germline. Affected: yes. Observed: 11 variant alleles.

Fulgent Genetics
Classification: Likely benign for Familial cancer of breast; Ataxia-telangiectasia syndrome. Last evaluated: 2021-11-10. Review status: criteria provided, single submitter. Criteria: ACMG Guidelines, 2015. Collection method: clinical testing. Allele origin: unknown.

CHEO Genetics Diagnostic Laboratory, Children's Hospital of Eastern Ontario
Classification: Benign for Breast and/or ovarian cancer. Last evaluated: 2021-07-02. Review status: criteria provided, single submitter. Criteria: ACMG Guidelines, 2015. Collection method: clinical testing. Allele origin: germline.

Sema4
Classification: Benign for Hereditary cancer-predisposing syndrome. Last evaluated: 2020-03-21. Review status: criteria provided, single submitter. Criteria: Sema4 Curation Guidelines. Collection method: curation. Allele origin: germline.

Athena Diagnostics
Classification: Benign. Last evaluated: 2018-05-30. Review status: criteria provided, single submitter. Criteria: Athena Diagnostics Criteria. Collection method: clinical testing. Allele origin: germline.

Illumina Laboratory Services, Illumina
Classification: Likely benign for Ataxia-telangiectasia syndrome. Last evaluated: 2017-04-27. Review status: criteria provided, single submitter. Criteria: ICSL Variant Classification Criteria 13 December 2019. Collection method: clinical testing. Allele origin: germline.
Comment: This variant was observed as part of a predisposition screen in an ostensibly healthy population. A literature search was performed for the gene, cDNA change, and amino acid change (where applicable). Publications were found based on this search. The evidence from the literature, in combination with allele frequency data from public databases where available, was sufficient to determine this variant is unlikely to cause disease. Therefore, this variant is classified as likely benign.

Center for Pediatric Genomic Medicine, Children's Mercy Hospital and Clinics
Classification: Benign. Last evaluated: 2015-12-22. Review status: criteria provided, single submitter. Criteria: ACMG Guidelines, 2015. Collection method: clinical testing. Allele origin: germline.

Eurofins Ntd Llc (ga)
Classification: Benign. Last evaluated: 2015-02-16. Review status: criteria provided, single submitter. Criteria: EGL Classification Definitions 2015. Collection method: clinical testing. Allele origin: germline. Observed: 1 variant allele, 1 heterozygote.

Ambry Genetics
Classification: Benign for Hereditary cancer-predisposing syndrome. Last evaluated: 2014-11-25. Review status: criteria provided, single submitter. Criteria: Ambry Variant Classification Scheme 2023. Collection method: clinical testing. Allele origin: germline.

Color Diagnostics, LLC DBA Color Health
Classification: Benign for Hereditary cancer-predisposing syndrome. Last evaluated: 2014-11-05. Review status: criteria provided, single submitter. Criteria: ACMG Guidelines, 2015. Collection method: clinical testing. Allele origin: germline.

GeneDx
Classification: Benign. Last evaluated: 2013-10-01. Review status: criteria provided, single submitter. Criteria: GeneDx Variant Classification (06012015). Collection method: clinical testing. Allele origin: germline. Affected: yes.
Comment: This variant is considered likely benign or benign based on one or more of the following criteria: it is a conservative change, it occurs at a poorly conserved position in the protein, it is predicted to be benign by multiple in silico algorithms, and/or has population frequency not consistent with disease.

Breakthrough Genomics
Classification: Likely benign. Review status: criteria provided, single submitter. Criteria: ACMG Guidelines, 2015. Collection method: not provided. Allele origin: germline. Inheritance: Autosomal recessive inheritance. Affected: yes.

PreventionGenetics, part of Exact Sciences
Classification: Benign. Review status: criteria provided, single submitter. Criteria: ACMG Guidelines, 2015. Collection method: clinical testing. Allele origin: germline.

Natera, Inc.
Classification: Benign for Ataxia-telangiectasia. Last evaluated: 2020-09-16. Review status: no assertion criteria provided. Collection method: clinical testing. Allele origin: germline. Not counted in ClinVar's aggregate classification.

True Health Diagnostics
Classification: Benign for Hereditary cancer-predisposing syndrome. Last evaluated: 2018-06-18. Review status: no assertion criteria provided. Collection method: clinical testing. Allele origin: germline. Not counted in ClinVar's aggregate classification.

ITMI
No classification provided. Condition: AllHighlyPenetrant. Last evaluated: 2013-09-19. Review status: no classification provided. Collection method: reference population. Allele origin: germline. Not counted in ClinVar's aggregate classification.
Comment: Please see associated publication for description of ethnicities

Clinical Genetics Laboratory, Department of Pathology, Netherlands Cancer Institute
Classification: Benign. Review status: no assertion criteria provided. Collection method: clinical testing. Allele origin: germline. Affected: yes. Study: VKGL Data-share Consensus. Not counted in ClinVar's aggregate classification.

Clinical Genetics, Academic Medical Center
Classification: Benign. Review status: no assertion criteria provided. Collection method: clinical testing. Allele origin: germline. Affected: yes. Study: VKGL Data-share Consensus. Not counted in ClinVar's aggregate classification.